The following is an entry in ClinVar:

ClinVar aggregate classification (germline): Uncertain significance (1 of 4 stars; one submission).

Conditions:
Hereditary pancreatitis (PCTT). Also called: Hereditary chronic pancreatitis; PRSS1-Related Hereditary Pancreatitis. Identifiers: Orphanet 676, MedGen C0238339, MONDO:0008185, OMIM 167800.

Submission:

Ambry Genetics
Classification: Uncertain significance for Hereditary pancreatitis. Last evaluated: 2026-06-01. Review status: criteria provided, single submitter. Criteria: Ambry Variant Classification Scheme 2023. Collection method: clinical testing. Allele origin: germline.
Comment: The p.I126T variant (also known as c.377T>C), located in coding exon 3 of the PRSS1 gene, results from a T to C substitution at nucleotide position 377. The isoleucine at codon 126 is replaced by threonine, an amino acid with similar properties. This amino acid position is conserved. In addition, the in silico prediction for this alteration is inconclusive. Based on the available evidence, the clinical significance of this variant remains unclear.

NM_002769.5(PRSS1):c.377T>C (p.Ile126Thr)

Genes: PRSS1 (serine protease 1; plus strand), TRB (T cell receptor beta locus; plus strand). Cytogenetic location: 7q34.
Variant type: single nucleotide variant.
Coding change: c.377T>C on transcript NM_002769.5 (MANE Select); coding-DNA position 377, T replaced by C.
Protein change: p.Ile126Thr; replaces isoleucine 126 with threonine.
Molecular consequence: missense variant. On other transcripts: non-coding transcript variant (5).
Genome position (GRCh38, 1-based): chr7:142,751,950, T>C. VCF-style: chr7-142751950-T-C. GRCh37 (hg19) VCF-style: chr7-142459801-T-C.
Other names: short protein forms I126T.
Identifiers: ClinVar variation 4862582 (VCV004862582.1).